The following is an entry in ClinVar:

ClinVar aggregate classification (germline): Likely pathogenic. Review status: reviewed by expert panel (3 of 4 stars). 38 submissions from 38 submitters: Likely pathogenic (1). 37 of the submissions do not count toward it. Last evaluated 2018-08-12.

Conditions:
PAH-related disorder. Also called: PAH-related condition.
Phenylketonuria (PKU). Also called: FOLLING DISEASE; Phenylketonurias; OLIGOPHRENIA PHENYLPYRUVICA; Phenylketonuria (PKU). Identifiers: Orphanet 716, MedGen C0031485, MONDO:0009861, OMIM 261600. Disease mechanism: loss of function.

Allele frequency attached by ClinVar (database versions not stated): ESP Exome Variant Server 0.00023; gnomAD 0.00030 and 0.00029; gnomAD exomes 0.00029 and 0.00054; TOPMed 0.00041; ExAC 0.00042.
gnomAD v4.1: 509 of 1,613,986 alleles (0.032%); highest among the groups gnomAD compares: Middle Eastern, 0.21%; 1 homozygote.

Submissions 1 to 9 of 38:

ClinGen PAH Variant Curation Expert Panel
Classification: Likely pathogenic for Phenylketonuria. Last evaluated: 2018-08-12. Review status: reviewed by expert panel. Criteria: ClinGen PAH ACMG Specifications v1. Collection method: curation. Allele origin: germline. Inheritance: Autosomal recessive inheritance.
Comment: PAH-specific ACMG/AMP criteria applied: PP4_Moderate: V2301 seen in 1 patient with PAH deficiency. BH4 deficiency ruled out. Upgraded per ClinGen Metabolism WG. (PMID:8268925); PM3_VeryStrong: Detected in trans with IVS 10-11G>A, L48S, R408W, E390G). Upgraded per ClinGen SVI Workgroup. (PMID:15943553; PMID:21147011). In summary this variant meets criteria to be classified as likely pathogenic for phenylketonuria in an autosomal recessive manner based on the ACMG/AMP criteria applied as specified by the PAH Expert Panel: (PP4_Moderate, PM3_VeryStrong).

GeneDx
Classification: Pathogenic. Last evaluated: 2026-10-13. Review status: criteria provided, single submitter. Criteria: GeneDx Variant Classification Process June 2021. Collection method: clinical testing. Allele origin: germline. Not counted in ClinVar's aggregate classification.
Comment: In silico analysis suggests that this missense variant does not alter protein structure/function; Described as responsive to tetrahydrobiopterin (BH4) therapy (PMID: 17935162); This variant is associated with the following publications: (PMID: 31998365, 23792259, 23500595, 39039323, 38256266, 32039316, 33101986, 32893076, 25087612, 21228398, 26990548, 11161839, 8088845, 8268925, 31355225, 30747360, 31980526, 30275481, 33465300, 31589614, 32668217, 32778825, 40652260, z[case report], 34828281, 33564846, 31947737, 34405919, 18299955, 28182360, 35193651, 35405047, 34426522, 24048906, 23764561, 36646061, 36577126, 37257178, 39286960, 38651393, 38731816, 36537053, 36787440, 38481932, 38532509, 40293582, 39670100, 17935162, 21871829, 10598814, 29316886, 17096675)

CeGaT Center for Human Genetics Tuebingen
Classification: Pathogenic. Last evaluated: 2026-04-01. Review status: criteria provided, single submitter. Criteria: CeGaT Center For Human Genetics Tuebingen Variant Classification Criteria Version 2. Collection method: clinical testing. Allele origin: germline. Affected: yes. Observed: 10 variant alleles. Not counted in ClinVar's aggregate classification.
Comment: PAH: PM3:Very Strong, PP4:Moderate, PS3:Moderate, PM2:Supporting

Department of Molecular Genetics, Istishari Arab Hospital
Classification: Pathogenic for Phenylketonuria. Last evaluated: 2026-03-09. Review status: criteria provided, single submitter. Criteria: ACMG Guidelines, 2015. Collection method: clinical testing. Allele origin: germline. Inheritance: Autosomal recessive inheritance. Affected: yes. Not counted in ClinVar's aggregate classification.
Comment: The PAH variant c.688G>A, p.Val230Ile creates an amino acid change from Val to Ile at position 230. This variant is observed with very low frequency in the gnomAD v4.1.0 dataset (<0.001). This variant has consistently been identified in cases with mild hyperphenylalaninemia or mild phenylketonuria in the homozygous state or compound heterozygote with a second pathogenic allele (PMID: 18299955, 21871829, 23764561, 24048906). It is classified as pathogenic based on ACMG/AMP/ClinGen SVI guidelines.

PreventionGenetics, part of Exact Sciences
Classification: Likely pathogenic for PAH-related condition. Last evaluated: 2026-02-27. Review status: criteria provided, single submitter. Criteria: ACMG Guidelines, 2015. Collection method: clinical testing. Allele origin: germline. Not counted in ClinVar's aggregate classification.
Comment: The PAH c.688G>A variant is predicted to result in the amino acid substitution p.Val230Ile. This variant has been reported in the homozygous state or with a second PAH variant in individuals with hyperphenylalaninemia or phenylketonuria (see, for example: Guldberg et al. 1993. PubMed ID: 8268925; Bercovich et al. 2008. PubMed ID: 18299955; Supplemental Data, Hillert et al. 2020. PubMed ID: 32668217). Experimental studies indicate this variant reduces PAH activity to approximately 63% of wild-type (Couce et al. 2013. PubMed ID: 23500595), and it has been reported to be BH4-responsive (Zurflüh et al. 2008. PubMed ID: 17935162). This variant is classified as likely pathogenic by the ClinGen PAH Variant Curation Expert Panel (Variation ID: 102784). This variant is interpreted as likely pathogenic.

Labcorp Genetics (formerly Invitae), Labcorp
Classification: Pathogenic for Phenylketonuria. Last evaluated: 2026-01-28. Review status: criteria provided, single submitter. Criteria: Invitae Variant Classification Sherloc (09022015). Collection method: clinical testing. Allele origin: germline. Not counted in ClinVar's aggregate classification.
Comment: This sequence change replaces valine, which is neutral and non-polar, with isoleucine, which is neutral and non-polar, at codon 230 of the PAH protein (p.Val230Ile). This variant is present in population databases (rs62516152, gnomAD 0.3%), and has an allele count higher than expected for a pathogenic variant. This missense change has been observed in individual(s) with hyperphenylalaninemia (HPA) or mild phenylketonuria (PKU) (PMID: 8268925, 10598814, 17096675, 17935162, 18299955, 23500595, 23792259, 24048906, 25087612; internal data). In at least one individual the data is consistent with being in trans (on the opposite chromosome) from a pathogenic variant. ClinVar contains an entry for this variant (Variation ID: 102784). Invitae Evidence Modeling of protein sequence and biophysical properties (such as structural, functional, and spatial information, amino acid conservation, physicochemical variation, residue mobility, and thermodynamic stability) indicates that this missense variant is not expected to disrupt PAH protein function with a negative predictive value of 80%. Experimental studies have shown that this missense change affects PAH function (PMID: 11161839). For these reasons, this variant has been classified as Pathogenic.

Natera, Inc.
Classification: Pathogenic for Phenylketonuria. Last evaluated: 2026-01-05. Review status: criteria provided, single submitter. Criteria: Natera Variant Classification Schema (03/2026). Collection method: clinical testing. Allele origin: germline. Not counted in ClinVar's aggregate classification.
Comment: The c.688G>A variant in PAH is a missense variant predicted to cause substitution of valine to isoleucine at amino acid 230. This variant has been observed in one or more individuals affected with the associated recessive disease, as either homozygous or compound heterozygous with a second variant (PMID: 18299955). Given the available evidence, this variant is classified as Pathogenic.

3billion
Classification: Pathogenic for Phenylketonuria. Last evaluated: 2025-12-10. Review status: criteria provided, single submitter. Criteria: ACMG Guidelines, 2015. Collection method: clinical testing. Allele origin: germline. Affected: yes. Not counted in ClinVar's aggregate classification.
Comment: The variant is observed at an extremely low frequency in the gnomAD v4.1.0 dataset (total allele frequency: 0.032%). Predicted Consequence/Location: Missense variant In silico tool predictions suggest damaging effect of the variant on gene or gene product [3Cnet: 0.99 (> 0.75, sensitivity 0.96 and precision 0.92)]. The same nucleotide change resulting in the same amino acid change has been previously reported as pathogenic/likely pathogenic with strong evidence (ClinVar ID: VCV000102784 /PMID: 8268925). The variant has been reported to be in trans with a pathogenic variant as either compound heterozygous or homozygous in at least 4 similarly affected unrelated individuals (PMID: 15943553, 2114701). A different missense change at the same codon (p.Val230Ala) has been reported as pathogenic/likely pathogenic with strong evidence (ClinVar ID: VCV000557425 /PMID: 18299955). Therefore, this variant is classified as Pathogenic according to the recommendation of ACMG/AMP guideline.

ARUP Laboratories, Molecular Genetics and Genomics, ARUP Laboratories
Classification: Likely pathogenic. Last evaluated: 2025-07-09. Review status: criteria provided, single submitter. Criteria: ARUP Molecular Germline Variant Investigation Process 2024. Collection method: clinical testing. Allele origin: germline. Not counted in ClinVar's aggregate classification.
Comment: The PAH c.688G>A; p.Val230Ile variant (rs62516152, ClinVar Variation ID: 102784) is reported in the literature in numerous homozygous and compound heterozygous individuals affected with mild-to-moderate phenylketonuria or hyperphenylalaninemia (Bercovich 2008, Guldberg 1993, Su 2019, Tebieva 2024). The p.Val230Ile variant is found in the general population with an overall allele frequency of 0.05% (141/282,716 alleles) in the Genome Aggregation Database (v2.1.1). Computational analyses are uncertain whether this variant is neutral or deleterious (REVEL: 0.512). Based on available information, this variant is considered to be likely pathogenic. References: Bercovich D et al. Genotype-phenotype correlations analysis of mutations in the phenylalanine hydroxylase (PAH) gene. J Hum Genet. 2008;53(5):407-418. PMID: 18299955. Guldberg P et al. Mutational spectrum of phenylalanine hydroxylase deficiency in Sicily: implications for diagnosis of hyperphenylalaninemia in southern Europe. Hum Mol Genet. 1993 Oct;2(10):1703-7. PMID: 8268925. Su Y et al. The molecular epidemiology of hyperphenylalaninemia in Uygur population: incidence from newborn screening and mutational spectra. Ann Transl Med. 2019 Jun;7(12):258. PMID: 31355225. Tebieva IS et al. Genetic Landscape and Clinical Features of Hyperphenylalaninemia in North Ossetia-Alania: High Frequency of P281L and P211T Genetic Variants in the PAH Gene. Int J Mol Sci. 2024 Apr 23;25(9):4598. PMID: 38731816.

NM_000277.3(PAH):c.688G>A (p.Val230Ile)

Gene: PAH (phenylalanine hydroxylase; minus strand). Cytogenetic location: 12q23.2.
Variant type: single nucleotide variant.
Coding change: c.688G>A on transcript NM_000277.3 (MANE Select); coding-DNA position 688, G replaced by A.
Protein change: p.Val230Ile; replaces valine 230 with isoleucine.
Molecular consequence: missense variant.
Genome position (GRCh38, 1-based): chr12:102,855,154, C>T on the plus strand (G>A on the coding strand, the complement: PAH is on the minus strand). VCF-style: chr12-102855154-C-T. GRCh37 (hg19) VCF-style: chr12-103248932-C-T.
Other names: p.V230I:GTT>ATT; NM_000277.1(PAH):c.688G>A; c.688G>A, p.Val230Ile (NM_001354304.2); short protein forms V230I.
Identifiers: ClinVar variation 102784 (VCV000102784.104), dbSNP rs62516152, ClinGen allele CA286506.